The following is an entry in ClinVar:

NM_001356.5(DDX3X):c.121C>T (p.Pro41Ser)

Gene: DDX3X (DEAD-box helicase 3 X-linked; plus strand). Cytogenetic location: Xp11.4.
Variant type: single nucleotide variant.
Coding change: c.121C>T on transcript NM_001356.5 (MANE Select); coding-DNA position 121, C replaced by T.
Protein change: p.Pro41Ser; replaces proline 41 with serine.
Molecular consequence: missense variant. On other transcripts: 5 prime UTR variant (1), non-coding transcript variant (1), intron variant (1).
Genome position (GRCh38, 1-based): chrX:41,339,053, C>T. VCF-style: chrX-41339053-C-T. GRCh37 (hg19) VCF-style: chrX-41198306-C-T.
Other names: c.121C>T, p.Pro41Ser (NM_001193416.3); c.-438C>T (NM_001363819.1); c.103+1588C>T (NM_001193417.3); c.121C>T (NM_001193416.2); short protein forms P41S.
Identifiers: ClinVar variation 419328 (VCV000419328.11), dbSNP rs1064793796, ClinGen allele CA16621378.

ClinVar aggregate classification (germline): Pathogenic/Likely pathogenic. Review status: criteria provided, multiple submitters, no conflicts (2 of 4 stars). 5 submissions from 5 submitters: Pathogenic (1); Likely pathogenic (3). 1 of the submissions does not count toward it. Last evaluated 2023-12-21.

Conditions:
DDX3X-related disorder. Also called: DDX3X-related condition.
Inborn genetic diseases. Identifiers: MedGen C0950123, MeSH D030342.
Intellectual disability, X-linked 102 (MRXSSB). Also called: Intellectual developmental disorder, X-linked syndromic, Snijders Blok type. Identifiers: Orphanet 457260, MedGen C5393299, MONDO:0010497, OMIM 300958.

Submissions (5):

Ambry Genetics
Classification: Likely pathogenic for Inborn genetic diseases. Last evaluated: 2023-12-21. Review status: criteria provided, single submitter. Criteria: Ambry Variant Classification Scheme 2023. Collection method: clinical testing. Allele origin: germline.
Comment: The c.121C>T (p.P41S) alteration is located in exon 3 (coding exon 3) of the DDX3X gene. This alteration results from a C to T substitution at nucleotide position 121, causing the proline (P) at amino acid position 41 to be replaced by a serine (S). This variant was not reported in population-based cohorts in the Genome Aggregation Database (gnomAD). This variant has been determined to be the result of a de novo mutation multiple individuals with features consistent with DDX3X-related neurodevelopmental disorder (external communication). This amino acid position is highly conserved in available vertebrate species. This missense alteration is located in a region that has a low rate of benign missense variation (Lek, 2016; Firth, 2009). This alteration is predicted to be tolerated by in silico analysis. Based on the available evidence, this alteration is classified as likely pathogenic.

PreventionGenetics, part of Exact Sciences
Classification: Likely pathogenic for DDX3X-related condition. Last evaluated: 2023-07-18. Review status: criteria provided, single submitter. Criteria: ACMG Guidelines, 2015. Collection method: clinical testing. Allele origin: germline.
Comment: The DDX3X c.121C>T variant is predicted to result in the amino acid substitution p.Pro41Ser. This variant was reported as a positive diagnosis in a large cohort study investigating ~2,200 families in a broad spectrum of rare diseases (Smedley et al. 2021. PubMed ID: 34758253, ClinVar Submission ID: SCV001760515). This variant has not been reported in a large population database, indicating this variant is rare. This variant is interpreted as pathogenic or likely pathogenic in ClinVar, and at least one laboratory identified this variant as a de novo event (ClinVar Submission ID: SCV001429158). A different nucleotide substitution affecting the same amino acid (p.Pro41His) was reported to have occurred de novo in an individual with a neurodevelopmental phenotype (Table S2, Martin et al. 2021. PubMed ID: 33504798). Taken together, the c.121C>T (p.Pro41Ser) variant is interpreted as likely pathogenic.

GeneDx
Classification: Pathogenic. Last evaluated: 2022-11-17. Review status: criteria provided, single submitter. Criteria: GeneDx Variant Classification Process June 2021. Collection method: clinical testing. Allele origin: germline. Affected: yes.
Comment: Not observed in large population cohorts (gnomAD); In silico analysis supports that this missense variant has a deleterious effect on protein structure/function; Has not been previously published as pathogenic or benign to our knowledge; This variant is associated with the following publications: (PMID: 34758253)

Institute of Human Genetics, University of Leipzig Medical Center
Classification: Likely pathogenic for Intellectual disability, X-linked 102. Last evaluated: 2016-06-30. Review status: criteria provided, single submitter. Criteria: ACMG Guidelines, 2015. Collection method: clinical testing. Allele origin: de novo. Affected: yes. Observed: 1 variant allele.
Comment: This variant was identified as de novo (maternity and paternity confirmed).

Genomics England Pilot Project, Genomics England
Classification: Likely pathogenic for Intellectual disability, X-linked 102. Review status: no assertion criteria provided. Criteria: ACGS Guidelines, 2016. Collection method: clinical testing. Allele origin: germline. Affected: yes. Not counted in ClinVar's aggregate classification.